The following is an entry in ClinVar:

NM_031407.7(HUWE1):c.72C>G (p.Asp24Glu)

Gene: HUWE1 (HECT, UBA and WWE domain containing E3 ubiquitin protein ligase 1; minus strand). Cytogenetic location: Xp11.22.
Variant type: single nucleotide variant.
Coding change: c.72C>G on transcript NM_031407.7 (MANE Select); coding-DNA position 72, C replaced by G.
Protein change: p.Asp24Glu; replaces aspartic acid 24 with glutamic acid.
Molecular consequence: missense variant.
Genome position (GRCh38, 1-based): chrX:53,648,284, G>C on the plus strand (C>G on the coding strand, the complement: HUWE1 is on the minus strand). VCF-style: chrX-53648284-G-C. GRCh37 (hg19) VCF-style: chrX-53675227-G-C.
Other names: c.72C>G (NM_031407.4, NM_031407.5); short protein forms D24E.
Identifiers: ClinVar variation 751852 (VCV000751852.9), dbSNP rs375073885, ClinGen allele CA10423160.
Genomic context (GRCh38, chrX:53,648,284, plus strand): 5'-CCATGTTTTGATCTGCTGCAGTTCCAAGAGAAGTTGCTCATCATTACAAACTTTGAGTTT[G>C]TCTATTAAGGCTCTGCAGTCTGCAGGCTGAGAAAAGAAAAGTATTCACAAAAGATGTTTT-3'
Protein context (NP_113584.3, residues 14-34): EAPADCRALI[Asp24Glu]KLKVCNDEQL

ClinVar aggregate classification (germline): Benign/Likely benign. Review status: criteria provided, multiple submitters, no conflicts (2 of 4 stars). 2 submissions from 2 submitters: Benign (1); Likely benign (1). Last evaluated 2025-08-28.

Conditions:
Inborn genetic diseases. Identifiers: MedGen C0950123, MeSH D030342.
Intellectual developmental disorder, X-linked, syndromic, Turner type. Also called: X-linked intellectual disability, Turner type; Intellectual disability, X-linked syndromic, Turner type. Identifiers: Orphanet 3056, Orphanet 85328, MedGen C2678046, MONDO:0010407, OMIM 309590.

Allele frequency attached by ClinVar (database versions not stated): gnomAD exomes 0.00005; TOPMed 0.00006; gnomAD 0.00009.
gnomAD v4.1: 164 of 1,191,047 alleles (0.014%); highest among the groups gnomAD compares: Non-Finnish European, 0.018%; no homozygotes.

Submissions (2):

Labcorp Genetics (formerly Invitae), Labcorp
Classification: Benign. Last evaluated: 2025-08-28. Review status: criteria provided, single submitter. Criteria: Invitae Variant Classification Sherloc (09022015). Collection method: clinical testing. Allele origin: germline.

Ambry Genetics
Classification: Likely benign for Inborn genetic diseases. Last evaluated: 2024-12-02. Review status: criteria provided, single submitter. Criteria: Ambry Variant Classification Scheme 2023. Collection method: clinical testing. Allele origin: germline.